The following is an entry in ClinVar:

NM_001025603.2(RFX5):c.859-2A>G

Gene: RFX5 (regulatory factor X5; minus strand). Cytogenetic location: 1q21.3.
Variant type: single nucleotide variant.
Coding change: c.859-2A>G on transcript NM_001025603.2 (MANE Select); the canonical splice acceptor site of the intron before coding-DNA position 859, A replaced by G.
Molecular consequence: splice acceptor variant.
Genome position (GRCh38, 1-based): chr1:151,343,180, T>C on the plus strand (A>G on the coding strand, the complement: RFX5 is on the minus strand). VCF-style: chr1-151343180-T-C. GRCh37 (hg19) VCF-style: chr1-151315656-T-C.
Other names: c.739-2A>G (NM_001379419.1, NM_001379420.1); c.859-2A>G (NM_000449.4, NM_001379413.1, NM_001379417.1 and 5 more transcripts).
Identifiers: ClinVar variation 1723341 (VCV001723341.1), dbSNP rs1650653829, ClinGen allele CA341934436.

ClinVar aggregate classification (germline): Likely pathogenic (1 of 4 stars; one submission).

Conditions:
MHC class II deficiency. Also called: Bare lymphocyte syndrome 2; BLS, TYPE II. Identifiers: Orphanet 572, MedGen C5447452, MONDO:0008855.

Allele frequency attached by ClinVar (database versions not stated): gnomAD exomes below 0.00001; TOPMed below 0.00001; gnomAD 0.00001.
gnomAD v4.1: 3 of 1,610,898 alleles (0.00019%); highest among the groups gnomAD compares: Admixed American, 0.0017%; no homozygotes.

Submission:

Women's Health and Genetics/Laboratory Corporation of America, LabCorp
Classification: Likely pathogenic for MHC class II deficiency. Last evaluated: 2022-10-19. Review status: criteria provided, single submitter. Criteria: LabCorp Variant Classification Summary - May 2015. Collection method: clinical testing. Allele origin: germline.
Comment: Variant summary: RFX5 c.859-2A>G is located in a canonical splice-site and is predicted to affect mRNA splicing resulting in a significantly altered protein due to either exon skipping, shortening, or inclusion of intronic material. Several computational tools predict a significant impact on normal splicing: Four predict the variant abolishes a canonical 3' acceptor site. An existing cryptic 3' acceptor site occurs 10 nucleotides downstream from the canonical site, three tools predict the variant strengthens this cryptic 3' acceptor site and one predicts the variant creates it. However, these predictions have yet to be confirmed by functional studies. The variant was absent in 245604 control chromosomes (gnomAD). To our knowledge, no occurrence of c.859-2A>G in individuals affected with Bare Lymphocyte Syndrome 2 - RFX5 Related and no experimental evidence demonstrating its impact on protein function have been reported. No clinical diagnostic laboratories have submitted clinical-significance assessments for this variant to ClinVar after 2014. Based on the evidence outlined above, the variant was classified as likely pathogenic.